The following is an entry in ClinVar:

NM_177550.5(SLC13A5):c.434C>T (p.Thr145Met)

Gene: SLC13A5 (solute carrier family 13 member 5; minus strand). Cytogenetic location: 17p13.1.
Variant type: single nucleotide variant.
Coding change: c.434C>T on transcript NM_177550.5 (MANE Select); coding-DNA position 434, C replaced by T.
Protein change: p.Thr145Met; replaces threonine 145 with methionine.
Molecular consequence: missense variant.
Genome position (GRCh38, 1-based): chr17:6,703,991, G>A on the plus strand (C>T on the coding strand, the complement: SLC13A5 is on the minus strand). VCF-style: chr17-6703991-G-A. GRCh37 (hg19) VCF-style: chr17-6607310-G-A.
Other names: c.434C>T, p.Thr145Met (NM_001143838.3); c.383C>T, p.Thr128Met (NM_001284509.2); c.305C>T, p.Thr102Met (NM_001284510.2); short protein forms T145M, T102M, T128M.
Identifiers: ClinVar variation 803301 (VCV000803301.15), dbSNP rs1202091819, ClinGen allele CA397750140.
Genomic context (GRCh38, chr17:6,703,991, plus strand): 5'-GCTGCGCTTGTGGCTTCCATCTGCTGCAATATGGCCTCCACGATGGGCACCATCATGGCC[G>A]TGGTTGCCGTGTTACTGATCCACATGGACAGGAGGGCTGTGACGCCCATGAAGCCCAGCA-3'
Protein context (NP_808218.1, residues 135-155): LSMWISNTAT[Thr145Met]AMMVPIVEAI

ClinVar aggregate classification (germline): Uncertain significance. Review status: criteria provided, multiple submitters, no conflicts (2 of 4 stars). 5 submissions from 5 submitters: Uncertain significance (5). Last evaluated 2023-01-05.

Conditions:
Developmental and epileptic encephalopathy, 25 (DEE25). Also called: Developmental and epileptic encephalopathy 25, with amelogenesis imperfecta; Epileptic encephalopathy, early infantile, 25, with amelogenesis imperfecta; Epileptic encephalopathy, early infantile, 25. Identifiers: Orphanet 442835, MedGen C4014621, MONDO:0014392, OMIM 615905.

Allele frequency attached by ClinVar (database versions not stated): gnomAD exomes 0.00001; gnomAD 0.00002; TOPMed 0.00002.
gnomAD v4.1: 12 of 1,613,008 alleles (0.00074%); highest among the groups gnomAD compares: Admixed American, 0.0017%; no homozygotes.

Submissions (5):

Baylor Genetics
Classification: Uncertain significance for Developmental and epileptic encephalopathy, 25. Last evaluated: 2023-01-05. Review status: criteria provided, single submitter. Criteria: ACMG Guidelines, 2015. Collection method: clinical testing. Allele origin: unknown.

Mendelics
Classification: Uncertain significance for Developmental and epileptic encephalopathy, 25. Last evaluated: 2022-10-25. Review status: criteria provided, single submitter. Criteria: Mendelics Assertion Criteria 2017. Collection method: clinical testing. Allele origin: unknown.

Labcorp Genetics (formerly Invitae), Labcorp
Classification: Uncertain significance for Developmental and epileptic encephalopathy, 25. Last evaluated: 2022-08-03. Review status: criteria provided, single submitter. Criteria: Invitae Variant Classification Sherloc (09022015). Collection method: clinical testing. Allele origin: germline.
Comment: This sequence change replaces threonine, which is neutral and polar, with methionine, which is neutral and non-polar, at codon 145 of the SLC13A5 protein (p.Thr145Met). This variant is not present in population databases (gnomAD no frequency). This variant has not been reported in the literature in individuals affected with SLC13A5-related conditions. ClinVar contains an entry for this variant (Variation ID: 803301). Algorithms developed to predict the effect of missense changes on protein structure and function are either unavailable or do not agree on the potential impact of this missense change (SIFT: "Deleterious"; PolyPhen-2: "Probably Damaging"; Align-GVGD: "Class C15"). In summary, the available evidence is currently insufficient to determine the role of this variant in disease. Therefore, it has been classified as a Variant of Uncertain Significance.

Genome-Nilou Lab
Classification: Uncertain significance for Developmental and epileptic encephalopathy, 25. Last evaluated: 2021-07-15. Review status: criteria provided, single submitter. Criteria: ACMG Guidelines, 2015. Collection method: clinical testing. Allele origin: germline. Affected: no.

GeneDx
Classification: Uncertain significance. Last evaluated: 2019-08-20. Review status: criteria provided, single submitter. Criteria: GeneDx Variant Classification Process June 2021. Collection method: clinical testing. Allele origin: germline. Affected: yes.
Comment: Not observed in large population cohorts (Lek et al., 2016); In silico analysis, which includes protein predictors and evolutionary conservation, supports a deleterious effect; Has not been previously published as pathogenic or benign to our knowledge